The following is an entry in ClinVar:

ClinVar aggregate classification (germline): Pathogenic (1 of 4 stars; one submission).

Conditions:
Carnitine palmitoyl transferase 1A deficiency. Also called: Carnitine palmitoyltransferase 1A deficiency; Carnitine palmitoyltransferase type I deficiency; CPT deficiency, hepatic, type IA; CPT I DEFICIENCY; CPT DEFICIENCY, HEPATIC, TYPE I. Identifiers: Orphanet 156, MedGen C1829703, MONDO:0009705, OMIM 255120.

Submission:

Labcorp Genetics (formerly Invitae), Labcorp
Classification: Pathogenic for Carnitine palmitoyl transferase 1A deficiency. Last evaluated: 2023-08-29. Review status: criteria provided, single submitter. Criteria: Invitae Variant Classification Sherloc (09022015). Collection method: clinical testing. Allele origin: unknown.
Comment: This variant is a gross deletion of the genomic region encompassing exon(s) 4-5 of the CPT1A gene. This deletion is out-of-frame, and is expected to create a premature termination codon and result in an absent or disrupted protein product. Loss-of-function variants in CPT1A are known to be pathogenic (PMID: 16169268). This variant has not been reported in the literature in individuals affected with CPT1A-related conditions. For these reasons, this variant has been classified as Pathogenic.

Literature cited by the submitters: PubMed 16169268.

NC_000011.9:g.(?_68571448)_(68575126_?)del

Gene: CPT1A (carnitine palmitoyltransferase 1A; minus strand). Cytogenetic location: 11q13.3.
Variant type: Deletion.
Identifiers: ClinVar variation 3244612 (VCV003244612.1).